The following is an entry in ClinVar:

ClinVar aggregate classification (germline): Pathogenic (1 of 4 stars; one submission).

Submission:

Quest Diagnostics Nichols Institute San Juan Capistrano
Classification: Pathogenic. Last evaluated: 2024-10-22. Review status: criteria provided, single submitter. Criteria: ACMG/ClinGen CNV Guidelines, 2019. Collection method: clinical testing. Allele origin: unknown.
Comment: This terminal duplication includes at least 274 protein-coding genes. Duplications overlapping the 12q23q24 region have been reported in individuals with variable phenotypic features (Bouman 2013, Doco-Fenzy 2006, Firth 2009, Plaza-Benhumea 2022, Ruiter 2006). Based on current medical literature and gene content, this copy number variant (CNV) is classified as pathogenic. References: Bouman et al., Eur J Med Genet. 2013 Aug;56(8):463-9. PMID: 23851164 Doco-Fenzy et al., Am J Med Genet A. 2006 Feb 1;140(3):212-21. PMID: 16411218 Plaza-Benhumea et al., Mol Syndromol. 2022 Dec;13(5):409-418. PMID: 36588755 Ruiter et al., Clin Dysmorphol. 2006 Jul;15(3):133-137. PMID: 16760730

GRCh37/hg19 12q23.1-24.33(chr12:99532287-133777902)x3

Genes: AACS (acetoacetyl-CoA synthetase; plus strand), ABCB9 (ATP binding cassette subfamily B member 9; minus strand), ABTB3 (ankyrin repeat and BTB domain containing 3; plus strand), ACACB (acetyl-CoA carboxylase beta; plus strand), ACAD10 (acyl-CoA dehydrogenase family member 10; plus strand) and 269 more. Cytogenetic location: 12q23.1-24.33.
Variant type: copy number gain.
Change: copy number 3 (three copies instead of two) of chr12:99,532,287-133,777,902 (34.25 Mb, GRCh37 coordinates, 1-based), cytogenetic band 12q23.1-24.33.
Identifiers: ClinVar variation 4682809 (VCV004682809.1).